The following is an entry in ClinVar:

NM_001042492.3(NF1):c.1642-3C>G

Gene: NF1 (neurofibromin 1; plus strand). Cytogenetic location: 17q11.2.
Variant type: single nucleotide variant.
Coding change: c.1642-3C>G on transcript NM_001042492.3 (MANE Select); 3 bases into the intron before coding-DNA position 1642, C replaced by G.
Molecular consequence: intron variant.
Genome position (GRCh38, 1-based): chr17:31,221,847, C>G. VCF-style: chr17-31221847-C-G. GRCh37 (hg19) VCF-style: chr17-29548865-C-G.
Other names: c.1642-3C>G (NM_000267.4, NM_001128147.3).
Identifiers: ClinVar variation 648709 (VCV000648709.60), dbSNP rs1597706610, ClinGen allele CA915949717.

ClinVar aggregate classification (germline): Pathogenic. Review status: criteria provided, multiple submitters, no conflicts (2 of 4 stars). 7 submissions from 7 submitters: Pathogenic (7). Last evaluated 2025-09-03.

Conditions:
NF1-related disorder. Also called: NF1-related condition. Identifiers: MedGen CN379171.
Hereditary cancer-predisposing syndrome. Also called: Neoplastic Syndromes, Hereditary; Hereditary Cancer Syndrome; Tumor predisposition; Hereditary neoplastic syndrome. Identifiers: Orphanet 140162, MedGen C0027672, MeSH D009386, MONDO:0015356.
Cardiovascular phenotype. Identifiers: MedGen CN230736.
Neurofibromatosis, type 1 (NF1). Also called: VON RECKLINGHAUSEN DISEASE; NEUROFIBROMATOSIS, TYPE I, SOMATIC; Peripheral type neurofibromatosis; Neurofibromatosis, type I. Identifiers: Orphanet 636, MedGen C0027831, MONDO:0018975, OMIM 162200. Disease mechanism: loss of function.

Submissions (7):

Labcorp Genetics (formerly Invitae), Labcorp
Classification: Pathogenic for Neurofibromatosis, type 1. Last evaluated: 2025-09-03. Review status: criteria provided, single submitter. Criteria: Invitae Variant Classification Sherloc (09022015). Collection method: clinical testing. Allele origin: germline.
Comment: This sequence change falls in intron 14 of the NF1 gene. It does not directly change the encoded amino acid sequence of the NF1 protein. RNA analysis indicates that this variant induces altered splicing and may result in an absent or altered protein product. This variant is not present in population databases (gnomAD no frequency). This variant has been observed in individual(s) with clinical features of neurofibromatosis type 1 (PMID: 16199547; external communication, internal data). Invitae Evidence Modeling of clinical and family history, age, sex, and reported ancestry of multiple individuals with this NF1 variant has been performed. This variant is expected to be pathogenic with a positive predictive value of at least 99%. This is a validated machine learning model that incorporates the clinical features of 1,785,918 individuals referred to our laboratory for NF1 testing. ClinVar contains an entry for this variant (Variation ID: 648709). Variants that disrupt the consensus splice site are a relatively common cause of aberrant splicing (PMID: 17576681, 9536098). Studies have shown that this variant results in skipping of exon 15, and produces a non-functional protein and/or introduces a premature termination codon (PMID: 32126153). For these reasons, this variant has been classified as Pathogenic.

Institute of Human Genetics, Heidelberg University
Classification: Pathogenic for Neurofibromatosis, type 1. Last evaluated: 2024-07-12. Review status: criteria provided, single submitter. Criteria: ACMG Guidelines, 2015. Collection method: clinical testing. Allele origin: unknown. Affected: yes.

Blueprint Genetics
Classification: Pathogenic for NF1-related disorders. Last evaluated: 2024-05-27. Review status: criteria provided, single submitter. Criteria: ACMG Guidelines, 2015. Collection method: clinical testing. Allele origin: germline. Affected: yes. Observed: 2 variant alleles.

GeneDx
Classification: Pathogenic. Last evaluated: 2023-05-01. Review status: criteria provided, single submitter. Criteria: GeneDx Variant Classification Process June 2021. Collection method: clinical testing. Allele origin: germline. Affected: yes.
Comment: Non-canonical splice site variant demonstrated to result in aberrant splicing leading to a predicted null alelle in a gene for which loss-of-function is a known mechanism of disease (Brinckmann et al., 2007; Wimmer et al., 2020); Not observed at significant frequency in large population cohorts (gnomAD); This variant is associated with the following publications: (PMID: 25525159, 16199547, 18041031, 9536098, 17576681, 32126153)

Ambry Genetics
Classification: Pathogenic for Cardiovascular phenotype; Hereditary cancer-predisposing syndrome. Last evaluated: 2022-07-05. Review status: criteria provided, single submitter. Criteria: Ambry Variant Classification Scheme 2023. Collection method: clinical testing. Allele origin: germline.
Comment: The c.1642-3C>G intronic variant results from a C to G substitution 3 nucleotides upstream from coding exon 15 in the NF1 gene. The variant has been detected in multiple individuals with neurofibromatosis type 1 (Baralle D et al. J Med Genet, 2005 Oct;42:737-48, Wimmer K et al. Hum Mutat, 2020 06;41:1145-1156, Ambry internal data, External Communication). This nucleotide position is not well conserved in available vertebrate species. In silico splice site analysis predicts that this alteration may weaken the native splice acceptor site. RNA studies have demonstrated that this alteration results in skipping of exon 15 (Wimmer K et al. Hum Mutat, 2020, Ambry internal data). This variant is considered to be rare based on population cohorts in the Genome Aggregation Database (gnomAD). Based on the supporting evidence, this alteration is interpreted as a disease-causing mutation.

UAB Medical Genomics Laboratory, UAB Medicine
Classification: Pathogenic for Neurofibromatosis, type 1. Last evaluated: 2020-01-20. Review status: criteria provided, single submitter. Criteria: ACMG Guidelines, 2015. Collection method: clinical testing. Allele origin: germline. Affected: yes.

CeGaT Center for Human Genetics Tuebingen
Classification: Pathogenic. Last evaluated: 2018-12-01. Review status: criteria provided, single submitter. Criteria: CeGaT Center For Human Genetics Tuebingen Variant Classification Criteria Version 2. Collection method: clinical testing. Allele origin: germline. Affected: yes. Observed: 1 variant allele.

Literature cited by the submitters: PubMed 16199547 (cited by Labcorp Genetics (formerly Invitae), Labcorp); PubMed 17576681 (cited by Labcorp Genetics (formerly Invitae), Labcorp); PubMed 9536098 (cited by Labcorp Genetics (formerly Invitae), Labcorp); PubMed 32126153 (cited by Labcorp Genetics (formerly Invitae), Labcorp and UAB Medical Genomics Laboratory, UAB Medicine).